The following is an entry in ClinVar:

ClinVar aggregate classification (germline): Uncertain significance (1 of 4 stars; one submission).

Allele frequency attached by ClinVar (database versions not stated): gnomAD exomes below 0.00001; ExAC 0.00001; gnomAD 0.00001; TOPMed 0.00001.
gnomAD v4.1: 2 of 1,598,268 alleles (0.00013%); highest among the groups gnomAD compares: Admixed American, 0.0033%; no homozygotes.

Submission:

Labcorp Genetics (formerly Invitae), Labcorp
Classification: Uncertain significance. Last evaluated: 2022-07-19. Review status: criteria provided, single submitter. Criteria: Invitae Variant Classification Sherloc (09022015). Collection method: clinical testing. Allele origin: germline.
Comment: This sequence change replaces valine, which is neutral and non-polar, with leucine, which is neutral and non-polar, at codon 403 of the SZT2 protein (p.Val403Leu). This variant is present in population databases (rs775700679, gnomAD 0.003%). This variant has not been reported in the literature in individuals affected with SZT2-related conditions. ClinVar contains an entry for this variant (Variation ID: 1370890). Algorithms developed to predict the effect of missense changes on protein structure and function (SIFT, PolyPhen-2, Align-GVGD) all suggest that this variant is likely to be tolerated. In summary, the available evidence is currently insufficient to determine the role of this variant in disease. Therefore, it has been classified as a Variant of Uncertain Significance.

NM_001365999.1(SZT2):c.1207G>C (p.Val403Leu)

Gene: SZT2 (SZT2 subunit of KICSTOR complex; plus strand). Cytogenetic location: 1p34.2.
Variant type: single nucleotide variant.
Coding change: c.1207G>C on transcript NM_001365999.1 (MANE Select); coding-DNA position 1207, G replaced by C.
Protein change: p.Val403Leu; replaces valine 403 with leucine.
Molecular consequence: missense variant.
Genome position (GRCh38, 1-based): chr1:43,420,269, G>C. VCF-style: chr1-43420269-G-C. GRCh37 (hg19) VCF-style: chr1-43885940-G-C.
Other names: c.1207G>C, p.Val403Leu (NM_015284.4); short protein forms V403L.
Identifiers: ClinVar variation 1370890 (VCV001370890.5), dbSNP rs775700679, ClinGen allele CA808351.